The following is an entry in ClinVar:

ClinVar aggregate classification (germline): Likely benign (1 of 4 stars; one submission).

Submission:

Center for Pediatric Genomic Medicine, Children's Mercy Hospital and Clinics
Classification: Likely benign. Last evaluated: 2015-08-12. Review status: criteria provided, single submitter. Criteria: ACMG Guidelines, 2015. Collection method: clinical testing. Allele origin: germline.
ClinVar note: Converted during submission from Likely Benign to Likely benign.

NC_012920.1(MT-ND5):m.14148A>G

Gene: MT-ND5 (mitochondrially encoded NADH dehydrogenase 5; plus strand).
Variant type: single nucleotide variant.
Genome position: chrM-14148-A-G.
Identifiers: ClinVar variation 235351 (VCV000235351.3), dbSNP rs28357668, ClinGen allele CA10581284.
Genomic context (GRCh38, chrMT:14,148, plus strand): 5'-TAAACTTTACTTCCTCTCTTTCTTCTTCCCACTCATCCTAACCCTACTCCTAATCACATA[A>G]CCTATTCCCCCGAGCAATCTCAATTACAATATATACACCAACAAACAATGTTCAACCAGT-3'